The following is an entry in ClinVar:

NM_000059.4(BRCA2):c.8729_8738del (p.Asn2910fs)

Gene: BRCA2 (BRCA2 DNA repair associated; plus strand). Cytogenetic location: 13q13.1.
Variant type: Deletion.
Coding change: c.8729_8738del on transcript NM_000059.4 (MANE Select); coding-DNA positions 8729 to 8738, 10 bases deleted (ATGCAGCAGA; older notation c.8729_8738delATGCAGCAGA).
Protein change: p.Asn2910fs; shifts the reading frame from asparagine 2910.
Molecular consequence: frameshift variant.
Genome position (GRCh38, 1-based): chr13:32,376,766-32,376,775, ATGCAGCAGA deleted; deleting any 10 consecutive bases within chr13:32,376,763-32,376,775 gives the same sequence; the c. name uses the placement nearest the transcript's 3' end. VCF-style (leftmost placement, unchanged base first): chr13-32376762-AAGAATGCAGC-A. GRCh37 (hg19) VCF-style: chr13-32950899-AAGAATGCAGC-A.
Other names: c.8729_8738delATGCAGCAGA (NM_000059.3); c.8729_8738del10 (NM_000059.3); short protein forms N2910fs.
Identifiers: ClinVar variation 663244 (VCV000663244.8), dbSNP rs1593934969, ClinGen allele CA915946901.
Genomic context (GRCh38, chr13:32,376,762, plus strand): 5'-GCACTAACAAGACAGCAAGTTCGTGCTTTGCAAGATGGTGCAGAGCTTTATGAAGCAGTG[AAGAATGCAGC>A]AGACCCAGCTTACCTTGAGGTGAGAGAGTAAGAGGACATATAATGAGGCTTGATGATTAT-3'

ClinVar aggregate classification (germline): Pathogenic. Review status: criteria provided, multiple submitters, no conflicts (2 of 4 stars). 2 submissions from 2 submitters: Pathogenic (2). Last evaluated 2025-11-24.

Conditions:
Hereditary breast ovarian cancer syndrome. Also called: Hereditary breast and ovarian cancer syndrome (HBOC); Hereditary breast and ovarian cancer syndrome; Breast and ovarian cancer; Hereditary breast and ovarian cancer; Hereditary breast and/or ovarian cancer syndrome; BRCA1- and BRCA2-Associated Hereditary Breast and Ovarian Cancer. Identifiers: Orphanet 145, MedGen C0677776, MeSH D061325, MONDO:0003582. Disease mechanism: loss of function.
Hereditary cancer-predisposing syndrome. Also called: Neoplastic Syndromes, Hereditary; Tumor predisposition; Hereditary neoplastic syndrome; Hereditary Cancer Syndrome. Identifiers: Orphanet 140162, MedGen C0027672, MeSH D009386, MONDO:0015356.

Submissions (2):

Ambry Genetics
Classification: Pathogenic for Hereditary cancer-predisposing syndrome. Last evaluated: 2025-11-24. Review status: criteria provided, single submitter. Criteria: Ambry Variant Classification Scheme 2023. Collection method: clinical testing. Allele origin: germline.
Comment: The c.8729_8738del10 pathogenic mutation, located in coding exon 20 of the BRCA2 gene, results from a deletion of 10 nucleotides at nucleotide positions 8729 to 8738, causing a translational frameshift with a predicted alternate stop codon (p.N2910Tfs*14). This variant is considered to be rare based on population cohorts in the Genome Aggregation Database (gnomAD). This alteration is expected to result in loss of function by premature protein truncation or nonsense-mediated mRNA decay. As such, this alteration is interpreted as a disease-causing mutation.

Labcorp Genetics (formerly Invitae), Labcorp
Classification: Pathogenic for Hereditary breast ovarian cancer syndrome. Last evaluated: 2018-09-24. Review status: criteria provided, single submitter. Criteria: Invitae Variant Classification Sherloc (09022015). Collection method: clinical testing. Allele origin: germline.
Comment: This sequence change creates a premature translational stop signal (p.Asn2910Thrfs*14) in the BRCA2 gene. It is expected to result in an absent or disrupted protein product. This variant is not present in population databases (ExAC no frequency). This variant has not been reported in the literature in individuals with BRCA2-related disease. Loss-of-function variants in BRCA2 are known to be pathogenic (PMID: 20104584). For these reasons, this variant has been classified as Pathogenic.

Literature cited by the submitters: PubMed 20104584 (cited by Labcorp Genetics (formerly Invitae), Labcorp).